The following is an entry in ClinVar:

NM_007294.4(BRCA1):c.292_293insT (p.Gly98fs)

Gene: BRCA1 (BRCA1 DNA repair associated; minus strand). Cytogenetic location: 17q21.31.
Variant type: Insertion.
Coding change: c.292_293insT on transcript NM_007294.4 (MANE Select); coding-DNA positions 292 to 293, T inserted.
Protein change: p.Gly98fs; shifts the reading frame from glycine 98.
Molecular consequence: frameshift variant. On other transcripts: non-coding transcript variant (1).
Genome position: GRCh38 VCF-style: chr17-43104876-C-CA. GRCh37 (hg19) VCF-style: chr17-41256893-C-CA.
Other names: c.82_83insT, p.Gly28Valfs (NM_001407571.1, NM_001407853.1, NM_001407879.1 and 58 more transcripts); c.292_293insT, p.Gly98Valfs (NM_001407581.1, NM_001407582.1, NM_001407603.1 and 163 more transcripts); c.292_292+1insT, p.Asp98(?) (NM_001407646.1, NM_001407647.1, NM_001408408.1); c.214_215insT, p.Gly72Valfs (NM_001407653.1, NM_001407654.1, NM_001407655.1 and 21 more transcripts); c.151_152insT, p.Gly51Valfs (NM_001407692.1, NM_001407694.1, NM_001407695.1 and 98 more transcripts); c.-90_-89insT (NM_001407959.1, NM_001407960.1, NM_001407962.1 and 4 more transcripts); c.160_161insT, p.Gly54Valfs (NM_001408451.1); c.151_152insT, p.Gly51fs (NM_007297.4); and 1 more; short protein forms G51fs, G98fs.
Identifiers: ClinVar variation 1072718 (VCV001072718.3), dbSNP rs2154551556, ClinGen allele CA2499224621.

ClinVar aggregate classification (germline): Pathogenic (1 of 4 stars; one submission).

Conditions:
Hereditary breast ovarian cancer syndrome. Also called: Hereditary breast and ovarian cancer syndrome (HBOC); Hereditary breast and/or ovarian cancer syndrome; Hereditary breast and ovarian cancer; BRCA1- and BRCA2-Associated Hereditary Breast and Ovarian Cancer; Hereditary breast and ovarian cancer syndrome; Breast and ovarian cancer. Identifiers: Orphanet 145, MedGen C0677776, MeSH D061325, MONDO:0003582. Disease mechanism: loss of function.

Submission:

Labcorp Genetics (formerly Invitae), Labcorp
Classification: Pathogenic for Hereditary breast ovarian cancer syndrome. Last evaluated: 2018-03-14. Review status: criteria provided, single submitter. Criteria: Invitae Variant Classification Sherloc (09022015). Collection method: clinical testing. Allele origin: germline.
Comment: This sequence change creates a premature translational stop signal (p.Asp96Glufs*24) in the BRCA1 gene. It is expected to result in an absent or disrupted protein product. This variant is not present in population databases (ExAC no frequency). This variant has not been reported in the literature in individuals with BRCA1-related disease. ClinVar contains an entry for this variant (Variation ID: 125660). Loss-of-function variants in BRCA1 are known to be pathogenic (PMID: 20104584). For these reasons, this variant has been classified as Pathogenic.

Literature cited by the submitters: PubMed 20104584.